The following is an entry in ClinVar:

ClinVar aggregate classification (germline): Benign/Likely benign. Review status: criteria provided, multiple submitters, no conflicts (2 of 4 stars). 4 submissions from 4 submitters: Benign (2); Likely benign (2). Last evaluated 2026-07-14.

Conditions:
Hereditary cancer-predisposing syndrome. Also called: Tumor predisposition; Neoplastic Syndromes, Hereditary; Hereditary Cancer Syndrome; Hereditary neoplastic syndrome. Identifiers: Orphanet 140162, MedGen C0027672, MeSH D009386, MONDO:0015356.
Rhabdoid tumor predisposition syndrome 2 (RTPS2). Identifiers: Orphanet 231108, Orphanet 69077, MedGen C2750074, MONDO:0013224, OMIM 613325.

Allele frequency attached by ClinVar (database versions not stated): gnomAD 0.00001 and 0.00002; 1000 Genomes Project 30x 0.00016; gnomAD exomes 0.00004 and 0.00001; TOPMed 0.00002; ExAC 0.00003; 1000 Genomes Project 0.00020.
gnomAD v4.1: 20 of 1,613,090 alleles (0.0012%); highest among the groups gnomAD compares: East Asian, 0.036%; no homozygotes.

Submissions (4):

Myriad Genetics, Inc.
Classification: Benign for Rhabdoid tumor predisposition syndrome 2. Last evaluated: 2026-07-14. Review status: criteria provided, single submitter. Criteria: Myriad Autosomal Dominant, Autosomal Recessive and X-Linked Classification Criteria (2023). Collection method: clinical testing. Allele origin: unknown.
Comment: This variant is considered benign. This variant is a silent/synonymous amino acid change and it is not expected to impact splicing.

Labcorp Genetics (formerly Invitae), Labcorp
Classification: Likely benign for Rhabdoid tumor predisposition syndrome 2. Last evaluated: 2025-12-28. Review status: criteria provided, single submitter. Criteria: Invitae Variant Classification Sherloc (09022015). Collection method: clinical testing. Allele origin: germline.

Quest Diagnostics Nichols Institute San Juan Capistrano
Classification: Benign. Last evaluated: 2023-05-19. Review status: criteria provided, single submitter. Criteria: Quest Diagnostics criteria. Collection method: clinical testing. Allele origin: unknown.

Ambry Genetics
Classification: Likely benign for Hereditary cancer-predisposing syndrome. Last evaluated: 2015-10-28. Review status: criteria provided, single submitter. Criteria: Ambry Variant Classification Scheme 2023. Collection method: clinical testing. Allele origin: germline.

NM_003072.5(SMARCA4):c.3579C>T (p.Ile1193=)

Gene: SMARCA4 (SWI/SNF related BAF chromatin remodeling complex subunit ATPase 4; plus strand). Cytogenetic location: 19p13.2.
Variant type: single nucleotide variant.
Coding change: c.3579C>T on transcript NM_003072.5 (MANE Select); coding-DNA position 3579, C replaced by T.
Protein change: p.Ile1193=; no amino-acid change (isoleucine 1193 retained).
Molecular consequence: synonymous variant. On other transcripts: non-coding transcript variant (1).
Genome position (GRCh38, 1-based): chr19:11,033,322, C>T. VCF-style: chr19-11033322-C-T. GRCh37 (hg19) VCF-style: chr19-11143998-C-T.
Other names: c.3579C>T, p.Ile1193= (NM_001128844.3, NM_001128845.2, NM_001128846.2 and 5 more transcripts).
Identifiers: ClinVar variation 484865 (VCV000484865.18), dbSNP rs200523111, ClinGen allele CA9204472.